The following is an entry in ClinVar:

ClinVar aggregate classification (germline): Benign. Review status: criteria provided, multiple submitters, no conflicts (2 of 4 stars). 2 submissions from 2 submitters: Benign (2). Last evaluated 2018-06-14.

Allele frequency attached by ClinVar (database versions not stated): gnomAD exomes 0.00160 and 0.00390; ExAC 0.00760; 1000 Genomes Project 0.01597; 1000 Genomes Project 30x 0.01624; gnomAD 0.01672 and 0.01819; ESP Exome Variant Server 0.01715; TOPMed 0.01957.
gnomAD v4.1: 4,811 of 1,509,338 alleles (0.32%); highest among the groups gnomAD compares: African/African-American, 6%; 138 homozygotes.

Submissions (2):

GeneDx
Classification: Benign. Last evaluated: 2018-06-14. Review status: criteria provided, single submitter. Criteria: GeneDx Variant Classification (06012015). Collection method: clinical testing. Allele origin: germline. Affected: yes.
Comment: This variant is considered likely benign or benign based on one or more of the following criteria: it is a conservative change, it occurs at a poorly conserved position in the protein, it is predicted to be benign by multiple in silico algorithms, and/or has population frequency not consistent with disease.

Breakthrough Genomics
Classification: Benign. Review status: criteria provided, single submitter. Criteria: ACMG Guidelines, 2015. Collection method: not provided. Allele origin: germline. Inheritance: Autosomal recessive inheritance. Affected: yes.

NM_001267550.2(TTN):c.31678+40A>G

Gene: TTN (titin; minus strand). Cytogenetic location: 2q31.2.
Variant type: single nucleotide variant.
Coding change: c.31678+40A>G on transcript NM_001267550.2 (MANE Select); 40 bases into the intron after coding-DNA position 31678, A replaced by G.
Molecular consequence: intron variant.
Genome position (GRCh38, 1-based): chr2:178,692,457, T>C on the plus strand (A>G on the coding strand, the complement: TTN is on the minus strand). VCF-style: chr2-178692457-T-C. GRCh37 (hg19) VCF-style: chr2-179557184-T-C.
Other names: c.13282+45625A>G (NM_003319.4); c.13858+45625A>G (NM_133437.4); c.13657+45625A>G (NM_133432.3); c.27946+40A>G (NM_133378.4); c.30727+40A>G (NM_001256850.1).
Identifiers: ClinVar variation 675501 (VCV000675501.2), dbSNP rs72650022, ClinGen allele CA1998882.